The following is an entry in ClinVar:

ClinVar aggregate classification (germline): Pathogenic/Likely pathogenic. Review status: criteria provided, multiple submitters, no conflicts (2 of 4 stars). 5 submissions from 5 submitters: Pathogenic (3); Likely pathogenic (2). Last evaluated 2025-06-26.

Conditions:
Alstrom syndrome (ALMS). Identifiers: Orphanet 64, MedGen C0268425, MONDO:0008763, OMIM 203800.
Cardiovascular phenotype. Identifiers: MedGen CN230736.

Allele frequency attached by ClinVar (database versions not stated): gnomAD exomes below 0.00001; ExAC 0.00001; gnomAD 0.00001; TOPMed 0.00001.
gnomAD v4.1: 3 of 1,613,944 alleles (0.00019%); highest among the groups gnomAD compares: African/African-American, 0.004%; no homozygotes.

Submissions (5):

Natera, Inc.
Classification: Likely pathogenic for Alstrom syndrome. Last evaluated: 2025-06-26. Review status: criteria provided, single submitter. Criteria: Natera Variant Classification Schema (03/2026). Collection method: clinical testing. Allele origin: germline.
Comment: The c.5383C>T variant in ALMS1 is a nonsense variant predicted to introduce a stop codon at amino acid 1795. This variant is expected to result in nonsense mediated decay, truncation, or a dysfunctional protein product. This variant is rare in the general population with a frequency below the threshold expected for the associated phenotype(s). Given the available evidence, this variant is classified as Likely Pathogenic.

Labcorp Genetics (formerly Invitae), Labcorp
Classification: Pathogenic for Alstrom syndrome. Last evaluated: 2025-05-23. Review status: criteria provided, single submitter. Criteria: Invitae Variant Classification Sherloc (09022015). Collection method: clinical testing. Allele origin: germline.
Comment: This sequence change creates a premature translational stop signal (p.Gln1795*) in the ALMS1 gene. It is expected to result in an absent or disrupted protein product. Loss-of-function variants in ALMS1 are known to be pathogenic (PMID: 17594715). This variant is present in population databases (rs759024519, gnomAD 0.008%). This variant has not been reported in the literature in individuals affected with ALMS1-related conditions. ClinVar contains an entry for this variant (Variation ID: 871475). For these reasons, this variant has been classified as Pathogenic.

Fulgent Genetics
Classification: Likely pathogenic for Alstrom syndrome. Last evaluated: 2022-04-30. Review status: criteria provided, single submitter. Criteria: ACMG Guidelines, 2015. Collection method: clinical testing. Allele origin: unknown.

Ambry Genetics
Classification: Pathogenic for Cardiovascular phenotype. Last evaluated: 2021-03-25. Review status: criteria provided, single submitter. Criteria: Ambry Variant Classification Scheme 2023. Collection method: clinical testing. Allele origin: germline.
Comment: The p.Q1795* pathogenic mutation (also known as c.5383C>T), located in coding exon 8 of the ALMS1 gene, results from a C to T substitution at nucleotide position 5383. This changes the amino acid from a glutamine to a stop codon within coding exon 8. This alteration is expected to result in loss of function by premature protein truncation or nonsense-mediated mRNA decay. As such, this alteration is interpreted as a disease-causing mutation.

CeGaT Center for Human Genetics Tuebingen
Classification: Pathogenic. Last evaluated: 2018-08-01. Review status: criteria provided, single submitter. Criteria: CeGaT Center For Human Genetics Tuebingen Variant Classification Criteria Version 2. Collection method: clinical testing. Allele origin: germline. Affected: yes. Observed: 2 variant alleles.

Literature cited by the submitters: PubMed 17594715 (cited by Labcorp Genetics (formerly Invitae), Labcorp).

NM_001378454.1(ALMS1):c.5380C>T (p.Gln1794Ter)

Gene: ALMS1 (ALMS1 centrosome and basal body associated protein; plus strand). Cytogenetic location: 2p13.1.
Variant type: single nucleotide variant.
Coding change: c.5380C>T on transcript NM_001378454.1 (MANE Select); coding-DNA position 5380, C replaced by T.
Protein change: p.Gln1794Ter; replaces glutamine 1794 with a stop codon.
Molecular consequence: nonsense.
Genome position (GRCh38, 1-based): chr2:73,451,907, C>T. VCF-style: chr2-73451907-C-T. GRCh37 (hg19) VCF-style: chr2-73679034-C-T.
Other names: c.5383C>T, p.Gln1795Ter (NM_015120.4); short protein forms Q1794*, Q1795*.
Identifiers: ClinVar variation 871475 (VCV000871475.50), dbSNP rs759024519, ClinGen allele CA1713874.